The following is an entry in ClinVar:

NM_021098.3(CACNA1H):c.5465C>G (p.Ser1822Cys)

Gene: CACNA1H (calcium voltage-gated channel subunit alpha1 H; plus strand). Cytogenetic location: 16p13.3.
Variant type: single nucleotide variant.
Coding change: c.5465C>G on transcript NM_021098.3 (MANE Select); coding-DNA position 5465, C replaced by G.
Protein change: p.Ser1822Cys; replaces serine 1822 with cysteine.
Molecular consequence: missense variant.
Genome position (GRCh38, 1-based): chr16:1,218,229, C>G. VCF-style: chr16-1218229-C-G. GRCh37 (hg19) VCF-style: chr16-1268229-C-G.
Other names: c.5447C>G, p.Ser1816Cys (NM_001005407.2); short protein forms S1816C, S1822C.
Identifiers: ClinVar variation 1036608 (VCV001036608.9), dbSNP rs1970194241, ClinGen allele CA394147236.

ClinVar aggregate classification (germline): Uncertain significance (1 of 4 stars; one submission).

Conditions:
Idiopathic generalized epilepsy. Also called: EIG; Generalised epilepsy. Identifiers: MedGen C0270850, MONDO:0005579, OMIM 600669.
Hyperaldosteronism, familial, type IV (HALD4). Also called: FH IV; ALDOSTERONISM, PRIMARY, AND HYPERTENSION. Identifiers: Orphanet 642671, MedGen C4310756, MONDO:0014875, OMIM 617027.

Submission:

Labcorp Genetics (formerly Invitae), Labcorp
Classification: Uncertain significance for Idiopathic generalized epilepsy; Hyperaldosteronism, familial, type IV. Last evaluated: 2021-04-09. Review status: criteria provided, single submitter. Criteria: Invitae Variant Classification Sherloc (09022015). Collection method: clinical testing. Allele origin: germline.
Comment: This variant is not present in population databases (ExAC no frequency). This variant has not been reported in the literature in individuals with CACNA1H-related conditions. Algorithms developed to predict the effect of missense changes on protein structure and function are either unavailable or do not agree on the potential impact of this missense change (SIFT: "Tolerated"; PolyPhen-2: "Possibly Damaging"; Align-GVGD: "Class C0"). In summary, the available evidence is currently insufficient to determine the role of this variant in disease. Therefore, it has been classified as a Variant of Uncertain Significance. This sequence change replaces serine with cysteine at codon 1822 of the CACNA1H protein (p.Ser1822Cys). The serine residue is weakly conserved and there is a moderate physicochemical difference between serine and cysteine.